The following is an entry in ClinVar:

ClinVar aggregate classification (germline): Uncertain significance (1 of 4 stars; one submission).

Conditions:
Cystic fibrosis (CF). Also called: MUCOVISCIDOSIS. Identifiers: Orphanet 586, MedGen C0010674, MONDO:0009061, OMIM 219700. Disease mechanism: loss of function.

gnomAD v4.1: 1 of 1,552,498 alleles (0.000064%); highest among the groups gnomAD compares: Non-Finnish European, 0.000089%; no homozygotes.

Submission:

Ambry Genetics
Classification: Uncertain significance for Cystic fibrosis. Last evaluated: 2024-09-01. Review status: criteria provided, single submitter. Criteria: Ambry Variant Classification Scheme 2023. Collection method: clinical testing. Allele origin: germline.
Comment: The p.G1298R variant (also known as c.3892G>A), located in coding exon 24 of the CFTR gene, results from a G to A substitution at nucleotide position 3892. The glycine at codon 1298 is replaced by arginine, an amino acid with dissimilar properties. This amino acid position is conserved. In addition, this alteration is predicted to be deleterious by in silico analysis. Based on the available evidence, the clinical significance of this variant remains unclear.

NM_000492.4(CFTR):c.3892G>A (p.Gly1298Arg)

Gene: CFTR (CF transmembrane conductance regulator; plus strand). Cytogenetic location: 7q31.2.
Variant type: single nucleotide variant.
Coding change: c.3892G>A on transcript NM_000492.4 (MANE Select); coding-DNA position 3892, G replaced by A.
Protein change: p.Gly1298Arg; replaces glycine 1298 with arginine.
Molecular consequence: missense variant.
Genome position (GRCh38, 1-based): chr7:117,652,860, G>A. VCF-style: chr7-117652860-G-A. GRCh37 (hg19) VCF-style: chr7-117292914-G-A.
Other names: short protein forms G1298R.
Identifiers: ClinVar variation 3491601 (VCV003491601.1).